The following is an entry in ClinVar:

ClinVar aggregate classification (germline): Pathogenic (1 of 4 stars; one submission).

Conditions:
Pyruvate dehydrogenase E3 deficiency (DLDD). Also called: Lipoamide dehydrogenase deficiency, lactic acidosis due to; Lipoamide dehydrogenase deficiency; Dihydrolipoamide Dehydrogenase Deficiency; MAPLE SYRUP URINE DISEASE, TYPE III; Dihydrolipoamide Dehydrogenase (E3) Deficiency; DLD DEFICIENCY. Identifiers: Orphanet 2394, Orphanet 765, MedGen C5574660, MONDO:0009529, OMIM 246900.

Submission:

Myriad Genetics, Inc.
Classification: Pathogenic for Pyruvate dehydrogenase E3 deficiency. Last evaluated: 2023-08-10. Review status: criteria provided, single submitter. Criteria: Myriad Autosomal Dominant, Autosomal Recessive and X-Linked Classification Criteria (2023). Collection method: clinical testing. Allele origin: unknown.
Comment: NM_000108.3(DLD):c.913_914delAC(T305Lfs*2) is expected to be pathogenic in the context of dihydrolipoamide dehydrogenase deficiency. This variant is predicted to lead to an abnormal or absent protein product due to the creation of a premature termination codon in DLD, a gene where loss-of-function variants are known to be pathogenic. Please note: this variant was assessed in the context of healthy population screening.

NM_000108.5(DLD):c.913_914del (p.Thr305fs)

Gene: DLD (dihydrolipoamide dehydrogenase; plus strand). Cytogenetic location: 7q31.1.
Variant type: Deletion.
Coding change: c.913_914del on transcript NM_000108.5 (MANE Select); coding-DNA positions 913 to 914, 2 bases deleted (AC; older notation c.913_914delAC).
Protein change: p.Thr305fs; shifts the reading frame from threonine 305.
Molecular consequence: frameshift variant.
Genome position (GRCh38, 1-based): chr7:107,916,831-107,916,832, AC deleted; deleting any 2 consecutive bases within chr7:107,916,830-107,916,832 gives the same sequence; the c. name uses the placement nearest the transcript's 3' end. VCF-style (leftmost placement, unchanged base first): chr7-107916829-TCA-T. GRCh37 (hg19) VCF-style: chr7-107557274-TCA-T.
Other names: c.616_617del, p.Thr206fs (NM_001289750.1); c.844_845del, p.Thr282fs (NM_001289751.1); c.769_770del, p.Thr257fs (NM_001289752.1); short protein forms T206fs, T257fs, T282fs, T305fs.
Identifiers: ClinVar variation 5011308 (VCV005011308.1).
Genomic context (GRCh38, chr7:107,916,829, plus strand): 5'-CATTTATACACTGTTTGTTATCTAGTATTGAAGCTGCTTCTGGTGGTAAAGCTGAAGTTA[TCA>T]CTTGTGATGTACTCTTGGTTTGCATTGGCCGACGACCCTTTACTAAGAATTTGGGACTAG-3'